The following is an entry in ClinVar:

ClinVar aggregate classification (germline): Likely benign. Review status: criteria provided, multiple submitters, no conflicts (2 of 4 stars). 3 submissions from 3 submitters: Likely benign (3). Last evaluated 2025-02-28.

Conditions:
ADAMTS10-related disorder. Also called: ADAMTS10-related condition.

Allele frequency attached by ClinVar (database versions not stated): gnomAD 0.00008 and 0.00006; gnomAD exomes 0.00008 and 0.00003; TOPMed 0.00008; ExAC 0.00009; 1000 Genomes Project 30x 0.00031; 1000 Genomes Project 0.00040.
gnomAD v4.1: 61 of 1,614,174 alleles (0.0038%); highest among the groups gnomAD compares: East Asian, 0.056%; no homozygotes.

Submissions (3):

PreventionGenetics, part of Exact Sciences
Classification: Likely benign for ADAMTS10-related condition. Last evaluated: 2025-02-28. Review status: criteria provided, single submitter. Criteria: ACMG Guidelines, 2015. Collection method: clinical testing. Allele origin: germline.
Comment: This variant is classified as likely benign based on ACMG/AMP sequence variant interpretation guidelines (Richards et al. 2015 PMID: 25741868, with internal and published modifications).

Labcorp Genetics (formerly Invitae), Labcorp
Classification: Likely benign. Last evaluated: 2024-12-20. Review status: criteria provided, single submitter. Criteria: Invitae Variant Classification Sherloc (09022015). Collection method: clinical testing. Allele origin: germline.

Blueprint Genetics
Classification: Likely benign. Last evaluated: 2021-12-17. Review status: criteria provided, single submitter. Criteria: ACMG Guidelines, 2015. Collection method: clinical testing. Allele origin: germline.

NM_030957.4(ADAMTS10):c.975C>T (p.Ser325=)

Gene: ADAMTS10 (ADAM metallopeptidase with thrombospondin type 1 motif 10; minus strand). Cytogenetic location: 19p13.2.
Variant type: single nucleotide variant.
Coding change: c.975C>T on transcript NM_030957.4 (MANE Select); coding-DNA position 975, C replaced by T.
Protein change: p.Ser325=; no amino-acid change (serine 325 retained).
Molecular consequence: synonymous variant.
Genome position (GRCh38, 1-based): chr19:8,597,052, G>A on the plus strand (C>T on the coding strand, the complement: ADAMTS10 is on the minus strand). VCF-style: chr19-8597052-G-A. GRCh37 (hg19) VCF-style: chr19-8661936-G-A.
Identifiers: ClinVar variation 748792 (VCV000748792.11), dbSNP rs576762340, ClinGen allele CA9160677.